The following is an entry in ClinVar:

ClinVar aggregate classification (germline): Uncertain significance. Review status: criteria provided, multiple submitters, no conflicts (2 of 4 stars). 2 submissions from 2 submitters: Uncertain significance (2). Last evaluated 2022-06-03.

Conditions:
Arginine:glycine amidinotransferase deficiency (CCDS3). Also called: Creatine deficiency syndrome due to AGAT deficiency; GATM deficiency; Cerebral creatine deficiency syndrome 3; L-Arginine:Glycine Amidinotransferase (AGAT) Deficiency; L-Arginine:Glycine Amidinotransferase Deficiency; AGAT deficiency. Identifiers: Orphanet 35704, MedGen C2675179, MONDO:0012996, OMIM 612718.

Allele frequency attached by ClinVar (database versions not stated): gnomAD exomes 0.00002 and below 0.00001; ExAC 0.00003.
gnomAD v4.1: 6 of 1,614,152 alleles (0.00037%); highest among the groups gnomAD compares: Non-Finnish European, 0.00034%; no homozygotes.

Submissions (2):

Labcorp Genetics (formerly Invitae), Labcorp
Classification: Uncertain significance for Arginine:glycine amidinotransferase deficiency. Last evaluated: 2022-06-03. Review status: criteria provided, single submitter. Criteria: Invitae Variant Classification Sherloc (09022015). Collection method: clinical testing. Allele origin: germline.
Comment: This sequence change replaces arginine, which is basic and polar, with glutamine, which is neutral and polar, at codon 47 of the GATM protein (p.Arg47Gln). This variant is present in population databases (rs777639154, gnomAD 0.01%). This variant has not been reported in the literature in individuals affected with GATM-related conditions. ClinVar contains an entry for this variant (Variation ID: 392750). Algorithms developed to predict the effect of missense changes on protein structure and function output the following: SIFT: "Tolerated"; PolyPhen-2: "Benign"; Align-GVGD: "Class C0". The glutamine amino acid residue is found in multiple mammalian species, which suggests that this missense change does not adversely affect protein function. In summary, the available evidence is currently insufficient to determine the role of this variant in disease. Therefore, it has been classified as a Variant of Uncertain Significance.

GeneDx
Classification: Uncertain significance. Last evaluated: 2017-01-16. Review status: criteria provided, single submitter. Criteria: GeneDx Variant Classification (06012015). Collection method: clinical testing. Allele origin: germline. Affected: yes.
Comment: A variant of uncertain significance has been identified in the GATM gene. The c.140 G>A variant has not been published as a pathogenic variant, nor has it been reported as a benign variant to our knowledge. The c.140 G>A variant is not observed at a significant frequency in large population cohorts (Lek et al., 2016; 1000 Genomes Consortium et al., 2015; Exome Variant Server). Several in-silico splice prediction models predict that c.140 G>A creates a cryptic acceptor site which may supplant the natural acceptor site in intron 1 and lead to abnormal gene splicing. However, in the absence of RNA/functional studies, the actual effect of this sequence change in this individual is unknown. If c.140 G>A does not alter splicing, it will result in a R47Q missense substitution. The R47Q variant is a semi-conservative amino acid substitution, which may impact secondary protein structure as these residues differ in some properties. This substitution occurs at a position that is not conserved and Glutamine is observed at this position in other species. In silico analysis is inconsistent in its predictions as to whether or not the variant is damaging to the protein structure/function. Therefore, based on the currently available information, it is unclear whether this variant is a pathogenic variant or a rare benign variant.

NM_001482.3(GATM):c.140G>A (p.Arg47Gln)

Gene: GATM (glycine amidinotransferase; minus strand). Cytogenetic location: 15q21.1.
Variant type: single nucleotide variant.
Coding change: c.140G>A on transcript NM_001482.3 (MANE Select); coding-DNA position 140, G replaced by A.
Protein change: p.Arg47Gln; replaces arginine 47 with glutamine.
Molecular consequence: missense variant. On other transcripts: 5 prime UTR variant (1).
Genome position (GRCh38, 1-based): chr15:45,376,749, C>T on the plus strand (G>A on the coding strand, the complement: GATM is on the minus strand). VCF-style: chr15-45376749-C-T. GRCh37 (hg19) VCF-style: chr15-45668947-C-T.
Other names: c.-248G>A (NM_001321015.2); short protein forms R47Q.
Identifiers: ClinVar variation 392750 (VCV000392750.4), dbSNP rs777639154, ClinGen allele CA7542988.
Genomic context (GRCh38, chr15:45,376,749, plus strand): 5'-GAGACAGGGCAGTCCTTGGGCAGAGGCTCAGTGGCTTTGTCGTCAGCTGCACAGGAGTTC[C>T]GGGAGGAAGCCGTAGCTGCCTGGGTGCTCTGGAAAGTTCGCTGCACCCATCCTGTCAAGG-3'
Protein context (NP_001473.1, residues 37-57): QSTQAATASS[Arg47Gln]NSCAADDKAT